The following is an entry in ClinVar:

NM_002769.5(PRSS1):c.602G>C (p.Gly201Ala)

Genes: PRSS1 (serine protease 1; plus strand), TRB (T cell receptor beta locus; plus strand). Cytogenetic location: 7q34.
Variant type: single nucleotide variant.
Coding change: c.602G>C on transcript NM_002769.5 (MANE Select); coding-DNA position 602, G replaced by C.
Protein change: p.Gly201Ala; replaces glycine 201 with alanine.
Molecular consequence: missense variant. On other transcripts: non-coding transcript variant (5).
Genome position (GRCh38, 1-based): chr7:142,752,878, G>C. VCF-style: chr7-142752878-G-C. GRCh37 (hg19) VCF-style: chr7-142460729-G-C.
Other names: short protein forms G201A.
Identifiers: ClinVar variation 4145711 (VCV004145711.1).

ClinVar aggregate classification (germline): Uncertain significance (1 of 4 stars; one submission).

Conditions:
Hereditary pancreatitis (PCTT). Also called: Hereditary chronic pancreatitis; PRSS1-Related Hereditary Pancreatitis. Identifiers: Orphanet 676, MedGen C0238339, MONDO:0008185, OMIM 167800.

Submission:

Ambry Genetics
Classification: Uncertain significance for Hereditary pancreatitis. Last evaluated: 2025-09-01. Review status: criteria provided, single submitter. Criteria: Ambry Variant Classification Scheme 2023. Collection method: clinical testing. Allele origin: germline.
Comment: The p.G201A variant (also known as c.602G>C), located in coding exon 5 of the PRSS1 gene, results from a G to C substitution at nucleotide position 602. The glycine at codon 201 is replaced by alanine, an amino acid with similar properties. This amino acid position is conserved. In addition, this alteration is predicted to be deleterious by in silico analysis. Based on the available evidence, the clinical significance of this variant remains unclear.